The following is an entry in ClinVar:

NM_001005361.3(DNM2):c.1413G>A (p.Thr471=)

Gene: DNM2 (dynamin 2; plus strand). Cytogenetic location: 19p13.2.
Variant type: single nucleotide variant.
Coding change: c.1413G>A on transcript NM_001005361.3 (MANE Select); coding-DNA position 1413, G replaced by A.
Protein change: p.Thr471=; no amino-acid change (threonine 471 retained).
Molecular consequence: synonymous variant.
Genome position (GRCh38, 1-based): chr19:10,798,563, G>A. VCF-style: chr19-10798563-G-A. GRCh37 (hg19) VCF-style: chr19-10909239-G-A.
Other names: c.1413G>A, p.Thr471= (NM_001005360.3, NM_001005362.3, NM_001190716.2 and 1 more transcripts).
Identifiers: ClinVar variation 1153543 (VCV001153543.28), dbSNP rs2072022940, ClinGen allele CA505498380.

ClinVar aggregate classification (germline): Likely benign. Review status: criteria provided, multiple submitters, no conflicts (2 of 4 stars). 2 submissions from 2 submitters: Likely benign (2). Last evaluated 2024-08-27.

Conditions:
Charcot-Marie-Tooth disease dominant intermediate B (CMTDIB). Also called: Charcot-Marie-Tooth disease dominant intermediate 1; CMT DI1; Charcot-Marie-Tooth disease dominant intermediate I; CHARCOT-MARIE-TOOTH NEUROPATHY, DOMINANT INTERMEDIATE B. Identifiers: Orphanet 100044, Orphanet 228179, MedGen C1847902, MONDO:0011674, OMIM 606482.

Allele frequency attached by ClinVar (database versions not stated): gnomAD exomes below 0.00001; TOPMed below 0.00001; gnomAD 0.00001.
gnomAD v4.1: 10 of 1,614,096 alleles (0.00062%); highest among the groups gnomAD compares: Admixed American, 0.005%; no homozygotes.

Submissions (2):

Labcorp Genetics (formerly Invitae), Labcorp
Classification: Likely benign for Charcot-Marie-Tooth disease dominant intermediate B. Last evaluated: 2024-08-27. Review status: criteria provided, single submitter. Criteria: Invitae Variant Classification Sherloc (09022015). Collection method: clinical testing. Allele origin: germline.

CeGaT Center for Human Genetics Tuebingen
Classification: Likely benign. Last evaluated: 2024-05-01. Review status: criteria provided, single submitter. Criteria: CeGaT Center For Human Genetics Tuebingen Variant Classification Criteria Version 2. Collection method: clinical testing. Allele origin: germline. Affected: yes. Observed: 1 variant allele.
Comment: DNM2: BP4, BP7